The following is an entry in ClinVar:

ClinVar aggregate classification (germline): Uncertain significance. Review status: criteria provided, multiple submitters, no conflicts (2 of 4 stars). 3 submissions from 3 submitters: Uncertain significance (3). Last evaluated 2022-12-01.

Conditions:
Short-rib thoracic dysplasia 13 with or without polydactyly (SRTD13). Identifiers: Orphanet 474, MedGen C4225378, MONDO:0014577, OMIM 616300.

Allele frequency attached by ClinVar (database versions not stated): gnomAD exomes 0.00002 and 0.00008; ExAC 0.00010; 1000 Genomes Project 30x 0.00016; 1000 Genomes Project 0.00020; gnomAD 0.00022 and 0.00023; ESP Exome Variant Server 0.00023; TOPMed 0.00025.
gnomAD v4.1: 57 of 1,613,264 alleles (0.0035%); highest among the groups gnomAD compares: African/African-American, 0.072%; 1 homozygote.

Submissions (3):

Blueprint Genetics
Classification: Uncertain significance. Last evaluated: 2022-12-01. Review status: criteria provided, single submitter. Criteria: ACMG Guidelines, 2015. Collection method: clinical testing. Allele origin: germline.

Labcorp Genetics (formerly Invitae), Labcorp
Classification: Uncertain significance for Short-rib thoracic dysplasia 13 with or without polydactyly. Last evaluated: 2022-08-19. Review status: criteria provided, single submitter. Criteria: Invitae Variant Classification Sherloc (09022015). Collection method: clinical testing. Allele origin: germline.
Comment: In summary, the available evidence is currently insufficient to determine the role of this variant in disease. Therefore, it has been classified as a Variant of Uncertain Significance. Algorithms developed to predict the effect of missense changes on protein structure and function output the following: SIFT: "Tolerated"; PolyPhen-2: "Benign"; Align-GVGD: "Class C0". The glycine amino acid residue is found in multiple mammalian species, which suggests that this missense change does not adversely affect protein function. ClinVar contains an entry for this variant (Variation ID: 1678836). This variant has not been reported in the literature in individuals affected with CEP120-related conditions. This variant is present in population databases (rs145436175, gnomAD 0.1%). This sequence change replaces arginine, which is basic and polar, with glycine, which is neutral and non-polar, at codon 976 of the CEP120 protein (p.Arg976Gly).

GeneDx
Classification: Uncertain significance. Last evaluated: 2022-03-23. Review status: criteria provided, single submitter. Criteria: GeneDx Variant Classification Process June 2021. Collection method: clinical testing. Allele origin: germline. Affected: yes.
Comment: In silico analysis supports that this missense variant has a deleterious effect on protein structure/function; Has not been previously published as pathogenic or benign to our knowledge

NM_001375405.1(CEP120):c.2926A>G (p.Arg976Gly)

Gene: CEP120 (centrosomal protein 120; minus strand). Cytogenetic location: 5q23.2.
Variant type: single nucleotide variant.
Coding change: c.2926A>G on transcript NM_001375405.1 (MANE Select); coding-DNA position 2926, A replaced by G.
Protein change: p.Arg976Gly; replaces arginine 976 with glycine.
Molecular consequence: missense variant. On other transcripts: 3 prime UTR variant (1), non-coding transcript variant (1).
Genome position (GRCh38, 1-based): chr5:123,346,554, T>C on the plus strand (A>G on the coding strand, the complement: CEP120 is on the minus strand). VCF-style: chr5-123346554-T-C. GRCh37 (hg19) VCF-style: chr5-122682248-T-C.
Other names: c.2848A>G, p.Arg950Gly (NM_001166226.2); c.2791A>G, p.Arg931Gly (NM_001375406.1); c.*195A>G (NM_001375407.1); c.2353A>G, p.Arg785Gly (NM_001375408.1, NM_001375409.1); c.2926A>G, p.Arg976Gly (NM_153223.4); short protein forms R785G, R931G, R950G, R976G.
Identifiers: ClinVar variation 1678836 (VCV001678836.6), dbSNP rs145436175, ClinGen allele CA3386494.